The following is an entry in ClinVar:

ClinVar aggregate classification (germline): Uncertain significance. Review status: criteria provided, multiple submitters, no conflicts (2 of 4 stars). 2 submissions from 2 submitters: Uncertain significance (2). Last evaluated 2026-03-29.

Conditions:
Malignant hyperthermia, susceptibility to, 1 (MHS1). Also called: Anesthesia related hyperthermia; Malignant hyperpyrexia; Fulminating hyperpyrexia; Pharmacogenic myopathy; RYR1-Related Malignant Hyperthermia Susceptibility; Malignant hyperthermia suceptibility 1. Identifiers: Orphanet 423, MedGen C2930980, MONDO:0007783, OMIM 145600.

gnomAD v4.1: 3 of 1,614,146 alleles (0.00019%); highest among the groups gnomAD compares: African/African-American, 0.004%; no homozygotes.

Submissions (2):

GeneDx
Classification: Uncertain significance. Last evaluated: 2026-03-29. Review status: criteria provided, single submitter. Criteria: GeneDx Variant Classification Process June 2021. Collection method: clinical testing. Allele origin: germline.
Comment: Not observed at significant frequency in large population cohorts (gnomAD); In silico analysis suggests that this missense variant does not alter protein structure/function; Has not been previously published as pathogenic or benign to our knowledge; This variant is associated with the following publications: (PMID: 33767344)

All of Us Research Program, National Institutes of Health
Classification: Uncertain significance for Malignant hyperthermia, susceptibility to, 1. Last evaluated: 2024-02-22. Review status: criteria provided, single submitter. Criteria: ACMG Guidelines, 2015. Collection method: clinical testing. Allele origin: germline. Inheritance: Autosomal dominant inheritance. Observed: 1 variant allele, 1 heterozygote.
Comment: This missense variant replaces valine with methionine at codon 330 of the RYR1 protein. Computational prediction suggests that this variant may not impact protein structure and function (internally defined REVEL score threshold <= 0.5, PMID: 27666373). To our knowledge, functional studies have not been reported for this variant. This variant has not been reported in individuals affected with RYR1-related disorders in the literature. This variant has been identified in 2/251426 chromosomes in the general population by the Genome Aggregation Database (gnomAD). The available evidence is insufficient to determine the role of this variant in disease conclusively. Therefore, this variant is classified as a Variant of Uncertain Significance.

This study involves interpretation of variants in research participants for the purpose of population health screening. Participant phenotype was not available at the time of variant classification. Additional details can be found in publication PMID: 35346344, PMCID: PMC8962531

NM_000540.3(RYR1):c.988G>A (p.Val330Met)

Gene: RYR1 (ryanodine receptor 1; plus strand). Cytogenetic location: 19q13.2.
Variant type: single nucleotide variant.
Coding change: c.988G>A on transcript NM_000540.3 (MANE Select); coding-DNA position 988, G replaced by A.
Protein change: p.Val330Met; replaces valine 330 with methionine.
Molecular consequence: missense variant.
Genome position (GRCh38, 1-based): chr19:38,448,679, G>A. VCF-style: chr19-38448679-G-A. GRCh37 (hg19) VCF-style: chr19-38939319-G-A.
Other names: c.988G>A, p.Val330Met (NM_001042723.2); short protein forms V330M.
Identifiers: ClinVar variation 3387636 (VCV003387636.2).